The following is an entry in ClinVar:

NM_015662.3(IFT172):c.4232G>T (p.Gly1411Val)

Gene: IFT172 (intraflagellar transport 172; minus strand). Cytogenetic location: 2p23.3.
Variant type: single nucleotide variant.
Coding change: c.4232G>T on transcript NM_015662.3 (MANE Select); coding-DNA position 4232, G replaced by T.
Protein change: p.Gly1411Val; replaces glycine 1411 with valine.
Molecular consequence: missense variant.
Genome position (GRCh38, 1-based): chr2:27,449,373, C>A on the plus strand (G>T on the coding strand, the complement: IFT172 is on the minus strand). VCF-style: chr2-27449373-C-A. GRCh37 (hg19) VCF-style: chr2-27672240-C-A.
Other names: c.4166G>T, p.Gly1389Val (NM_001410739.1); short protein forms G1389V, G1411V.
Identifiers: ClinVar variation 3349610 (VCV003349610.1).
Genomic context (GRCh38, chr2:27,449,373, plus strand): 5'-ATGCACTTGTCCCACTGGCCCTGCTCCACATACAGGTCCAAAGCAGCTATCACATCCACA[C>A]CCACCAGCTGGGTCAATGGAAGACAGAGTTACAAGAGAAAAGAGATGACATGAGGGAAAG-3'
Protein context (NP_056477.1, residues 1401-1421): KNQGKVDSLV[Gly1411Val]VDVIAALDLY

ClinVar aggregate classification (germline): Uncertain significance (0 of 4 stars; one submission).

Conditions:
IFT172-related disorder. Also called: IFT172-related disorders; IFT172-related condition.

gnomAD v4.1: 1 of 1,614,158 alleles (0.000062%); no homozygotes.

Submission:

PreventionGenetics, part of Exact Sciences
Classification: Uncertain significance for IFT172-related condition. Last evaluated: 2024-03-27. Review status: no assertion criteria provided. Collection method: clinical testing. Allele origin: germline.
Comment: The IFT172 c.4232G>T variant is predicted to result in the amino acid substitution p.Gly1411Val. To our knowledge, this variant has not been reported in the literature or in a large population database, indicating this variant is rare. At this time, the clinical significance of this variant is uncertain due to the absence of conclusive functional and genetic evidence.